The following is an entry in ClinVar:

ClinVar aggregate classification (germline): Benign/Likely benign. Review status: criteria provided, multiple submitters, no conflicts (2 of 4 stars). 5 submissions from 5 submitters: Benign (2); Likely benign (3). Last evaluated 2025-07-08.

Conditions:
Dilated cardiomyopathy 1J (CMD1J). Also called: CARDIOMYOPATHY, DILATED, WITH SENSORINEURAL HEARING LOSS, AUTOSOMAL DOMINANT. Identifiers: Orphanet 217622, MedGen C1854368, MONDO:0011541, OMIM 605362.
Cardiovascular phenotype. Identifiers: MedGen CN230736.

Allele frequency attached by ClinVar (database versions not stated): gnomAD below 0.00001 and 0.00009; TOPMed 0.00002; gnomAD exomes 0.00016 and 0.00033; ExAC 0.00036; 1000 Genomes Project 0.00060; 1000 Genomes Project 30x 0.00062.
gnomAD v4.1: 253 of 1,613,076 alleles (0.016%); highest among the groups gnomAD compares: South Asian, 0.25%; 2 homozygotes.

Submissions (5):

Labcorp Genetics (formerly Invitae), Labcorp
Classification: Benign for Dilated cardiomyopathy 1J. Last evaluated: 2025-07-08. Review status: criteria provided, single submitter. Criteria: Invitae Variant Classification Sherloc (09022015). Collection method: clinical testing. Allele origin: germline.

Women's Health and Genetics/Laboratory Corporation of America, LabCorp
Classification: Benign. Last evaluated: 2021-04-26. Review status: criteria provided, single submitter. Criteria: LabCorp Variant Classification Summary - May 2015. Collection method: clinical testing. Allele origin: germline.
Comment: Variant summary: EYA4 c.925A>G (p.Thr309Ala) results in a non-conservative amino acid change in the encoded protein sequence. Two of three in-silico tools predict a damaging effect of the variant on protein function. The variant allele was found at a frequency of 0.00033 in 250638 control chromosomes, predominantly at a frequency of 0.0026 within the South Asian subpopulation in the gnomAD database, including 2 homozygotes. The observed variant frequency within South Asian control individuals in the gnomAD database is approximately 166 fold of the estimated maximal expected allele frequency for a pathogenic variant in EYA4 causing Dilated Cardiomyopathy phenotype (1.6e-05), strongly suggesting that the variant is a benign polymorphism found primarily in populations of South Asian origin. To our knowledge, no occurrence of c.925A>G in individuals affected with Dilated Cardiomyopathy and no experimental evidence demonstrating its impact on protein function have been reported. One clinical diagnostic laboratory has submitted clinical-significance assessments for this variant to ClinVar after 2014 without evidence for independent evaluation and classified the variant as benign. Based on the evidence outlined above, the variant was classified as benign.

Ambry Genetics
Classification: Likely benign for Cardiovascular phenotype. Last evaluated: 2020-09-15. Review status: criteria provided, single submitter. Criteria: Ambry Variant Classification Scheme 2023. Collection method: clinical testing. Allele origin: germline.

GeneDx
Classification: Likely benign. Last evaluated: 2019-03-20. Review status: criteria provided, single submitter. Criteria: GeneDx Variant Classification Process June 2021. Collection method: clinical testing. Allele origin: germline. Affected: yes.

Breakthrough Genomics
Classification: Likely benign. Review status: criteria provided, single submitter. Criteria: ACMG Guidelines, 2015. Collection method: not provided. Allele origin: germline. Inheritance: Autosomal dominant inheritance. Affected: yes.

NM_004100.5(EYA4):c.925A>G (p.Thr309Ala)

Gene: EYA4 (EYA transcriptional coactivator and phosphatase 4; plus strand). Cytogenetic location: 6q23.2.
Variant type: single nucleotide variant.
Coding change: c.925A>G on transcript NM_004100.5 (MANE Select); coding-DNA position 925, A replaced by G.
Protein change: p.Thr309Ala; replaces threonine 309 with alanine.
Molecular consequence: missense variant.
Genome position (GRCh38, 1-based): chr6:133,468,686, A>G. VCF-style: chr6-133468686-A-G. GRCh37 (hg19) VCF-style: chr6-133789824-A-G.
Other names: c.763A>G, p.Thr255Ala (NM_001301012.2, NM_001370459.1); c.925A>G, p.Thr309Ala (NM_001301013.2, NM_172105.4); c.856A>G, p.Thr286Ala (NM_001370458.1, NM_172103.4); short protein forms T286A, T255A, T309A.
Identifiers: ClinVar variation 702124 (VCV000702124.18), dbSNP rs556335059, ClinGen allele CA4008190.